The following is an entry in ClinVar:

NM_020884.7(MYH7B):c.4171G>A (p.Glu1391Lys)

Gene: MYH7B (myosin heavy chain 7B; plus strand). Cytogenetic location: 20q11.22.
Variant type: single nucleotide variant.
Coding change: c.4171G>A on transcript NM_020884.7 (MANE Select); coding-DNA position 4171, G replaced by A.
Protein change: p.Glu1391Lys; replaces glutamic acid 1391 with lysine.
Molecular consequence: missense variant.
Genome position (GRCh38, 1-based): chr20:34,998,896, G>A. VCF-style: chr20-34998896-G-A. GRCh37 (hg19) VCF-style: chr20-33586699-G-A.
Other names: c.4297G>A (NM_020884.3); short protein forms E1391K.
Identifiers: ClinVar variation 3698858 (VCV003698858.3).

ClinVar aggregate classification (germline): Uncertain significance. Review status: criteria provided, multiple submitters, no conflicts (2 of 4 stars). 2 submissions from 2 submitters: Uncertain significance (2). Last evaluated 2025-05-19.

gnomAD v4.1: 84 of 1,612,428 alleles (0.0052%); highest among the groups gnomAD compares: Non-Finnish European, 0.0031%; no homozygotes.

Submissions (2):

Ambry Genetics
Classification: Uncertain significance. Last evaluated: 2025-05-19. Review status: criteria provided, single submitter. Criteria: Ambry Variant Classification Scheme 2023. Collection method: clinical testing. Allele origin: germline.

Labcorp Genetics (formerly Invitae), Labcorp
Classification: Uncertain significance. Last evaluated: 2024-03-18. Review status: criteria provided, single submitter. Criteria: Invitae Variant Classification Sherloc (09022015). Collection method: clinical testing. Allele origin: germline.
Comment: This sequence change replaces glutamic acid, which is acidic and polar, with lysine, which is basic and polar, at codon 1433 of the MYH7B protein (p.Glu1433Lys). This variant is present in population databases (rs200922360, gnomAD 0.08%), and has an allele count higher than expected for a pathogenic variant. This variant has not been reported in the literature in individuals affected with MYH7B-related conditions. Advanced modeling of protein sequence and biophysical properties (such as structural, functional, and spatial information, amino acid conservation, physicochemical variation, residue mobility, and thermodynamic stability) performed at Invitae indicates that this missense variant is expected to disrupt MYH7B protein function with a positive predictive value of 80%. In summary, the available evidence is currently insufficient to determine the role of this variant in disease. Therefore, it has been classified as a Variant of Uncertain Significance.